The following is an entry in ClinVar:

ClinVar aggregate classification (germline): Uncertain significance (1 of 4 stars; one submission).

Submission:

Labcorp Genetics (formerly Invitae), Labcorp
Classification: Uncertain significance. Last evaluated: 2022-04-08. Review status: criteria provided, single submitter. Criteria: Invitae Variant Classification Sherloc (09022015). Collection method: clinical testing. Allele origin: germline.
Comment: This variant results in a copy number gain of the genomic region encompassing exon(s) 1-3 of the TRMT5 gene. This region includes the initiator codon of the gene. This copy number gain extends beyond the assayed region for this gene and therefore may encompass additional genes. As the precise location of this event is unknown, it may be in tandem or it may be located elsewhere in the genome. This variant has not been reported in the literature in individuals affected with TRMT5-related conditions. Experimental studies and prediction algorithms are not available or were not evaluated, and the functional significance of this variant is currently unknown. In summary, the available evidence is currently insufficient to determine the role of this variant in disease. Therefore, it has been classified as a Variant of Uncertain Significance.

NC_000014.8:g.(?_61444212)_(61447691_?)dup

Gene: TRMT5 (tRNA methyltransferase 5; minus strand). Cytogenetic location: 14q23.1.
Variant type: Duplication.
Identifiers: ClinVar variation 2426618 (VCV002426618.4).